The following is an entry in ClinVar:

ClinVar aggregate classification (germline): Uncertain significance (1 of 4 stars; one submission).

Conditions:
Duchenne muscular dystrophy (DMD). Also called: MUSCULAR DYSTROPHY, PSEUDOHYPERTROPHIC PROGRESSIVE, DUCHENNE TYPE; Duchenne Muscular Dystrophy (DMD). Identifiers: Orphanet 98896, MedGen C0013264, MONDO:0010679, OMIM 310200.

Submission:

Labcorp Genetics (formerly Invitae), Labcorp
Classification: Uncertain significance for Duchenne muscular dystrophy. Last evaluated: 2024-02-06. Review status: criteria provided, single submitter. Criteria: Invitae Variant Classification Sherloc (09022015). Collection method: clinical testing. Allele origin: germline.
Comment: This sequence change falls in intron 3 of the DMD gene. It does not directly change the encoded amino acid sequence of the DMD protein. This variant is not present in population databases (gnomAD no frequency). This variant has not been reported in the literature in individuals affected with DMD-related conditions. Algorithms developed to predict the effect of sequence changes on RNA splicing suggest that this variant may disrupt the consensus splice site. In summary, the available evidence is currently insufficient to determine the role of this variant in disease. Therefore, it has been classified as a Variant of Uncertain Significance.

NM_004006.3(DMD):c.187-9T>A

Gene: DMD (dystrophin; minus strand). Cytogenetic location: Xp21.1.
Variant type: single nucleotide variant.
Coding change: c.187-9T>A on transcript NM_004006.3 (MANE Select); 9 bases into the intron before coding-DNA position 187, T replaced by A.
Molecular consequence: intron variant.
Genome position (GRCh38, 1-based): chrX:32,844,869, A>T on the plus strand (T>A on the coding strand, the complement: DMD is on the minus strand). VCF-style: chrX-32844869-A-T. GRCh37 (hg19) VCF-style: chrX-32862986-A-T.
Other names: c.163-9T>A (NM_000109.4); c.175-9T>A (NM_004009.3); c.-183-9T>A (NM_004010.3).
Identifiers: ClinVar variation 3639334 (VCV003639334.2).